The following is an entry in ClinVar:

ClinVar aggregate classification (germline): Uncertain significance (1 of 4 stars; one submission).

gnomAD v4.1: 1 of 1,582,908 alleles (0.000063%); highest among the groups gnomAD compares: Non-Finnish European, 0.000086%; no homozygotes.

Submission:

GeneDx
Classification: Uncertain significance. Last evaluated: 2026-06-05. Review status: criteria provided, single submitter. Criteria: GeneDx Variant Classification Process June 2021. Collection method: clinical testing. Allele origin: germline.
Comment: Not observed at significant frequency in large population cohorts (gnomAD); In silico analysis suggests that this missense variant does not alter protein structure/function; Has not been previously published as pathogenic or benign to our knowledge

NM_003660.4(PPFIA3):c.1712C>T (p.Pro571Leu)

Gene: PPFIA3 (PPFI scaffold protein A3; plus strand). Cytogenetic location: 19q13.33.
Variant type: single nucleotide variant.
Coding change: c.1712C>T on transcript NM_003660.4 (MANE Select); coding-DNA position 1712, C replaced by T.
Protein change: p.Pro571Leu; replaces proline 571 with leucine.
Molecular consequence: missense variant. On other transcripts: non-coding transcript variant (1).
Genome position (GRCh38, 1-based): chr19:49,136,770, C>T. VCF-style: chr19-49136770-C-T. GRCh37 (hg19) VCF-style: chr19-49640027-C-T.
Other names: short protein forms P571L.
Identifiers: ClinVar variation 3764385 (VCV003764385.2).